The following is an entry in ClinVar:

NM_001003800.2(BICD2):c.931C>T (p.Leu311=)

Gene: BICD2 (BICD cargo adaptor 2; minus strand). Cytogenetic location: 9q22.31.
Variant type: single nucleotide variant.
Coding change: c.931C>T on transcript NM_001003800.2 (MANE Select); coding-DNA position 931, C replaced by T.
Protein change: p.Leu311=; no amino-acid change (leucine 311 retained).
Molecular consequence: synonymous variant.
Genome position (GRCh38, 1-based): chr9:92,720,431, G>A on the plus strand (C>T on the coding strand, the complement: BICD2 is on the minus strand). VCF-style: chr9-92720431-G-A. GRCh37 (hg19) VCF-style: chr9-95482713-G-A.
Other names: c.931C>T, p.Leu311= (NM_015250.4).
Identifiers: ClinVar variation 4688342 (VCV004688342.1).

ClinVar aggregate classification (germline): Likely benign (1 of 4 stars; one submission).

Submission:

Women's Health and Genetics/Laboratory Corporation of America, LabCorp
Classification: Likely benign. Last evaluated: 2025-12-30. Review status: criteria provided, single submitter. Criteria: LabCorp Variant Classification Summary - May 2015. Collection method: clinical testing. Allele origin: germline.
Comment: Variant summary: BICD2 c.931C>T alters a non-conserved nucleotide resulting in a synonymous change. Consensus agreement among computation tools predict no significant impact on normal splicing. However, these predictions have yet to be confirmed by functional studies. The variant was absent in 251222 control chromosomes. The available data on variant occurrences in the general population are insufficient to allow any conclusion about variant significance. To our knowledge, no occurrence of c.931C>T in individuals affected with BICD2-related conditions and no experimental evidence demonstrating its impact on protein function have been reported. No submitters have cited clinical-significance assessments for this variant to ClinVar. Based on the evidence outlined above, the variant was classified as likely benign.